The following is an entry in ClinVar:

ClinVar aggregate classification (germline): Uncertain significance. Review status: criteria provided, multiple submitters, no conflicts (2 of 4 stars). 2 submissions from 2 submitters: Uncertain significance (2). Last evaluated 2024-08-14.

Conditions:
Infantile neuroaxonal dystrophy (NBIA2A). Also called: Infantile neuroaxonal dystrophy 1; NEURODEGENERATION WITH BRAIN IRON ACCUMULATION 2A; SEITELBERGER DISEASE. Identifiers: Orphanet 35069, MedGen C0270724, MONDO:0024457, OMIM 256600.

Allele frequency attached by ClinVar (database versions not stated): gnomAD 0.00001; TOPMed 0.00001.
gnomAD v4.1: 2 of 1,613,630 alleles (0.00012%); highest among the groups gnomAD compares: Admixed American, 0.0033%; no homozygotes.

Submissions (2):

Mayo Clinic Laboratories, Mayo Clinic
Classification: Uncertain significance. Last evaluated: 2024-08-14. Review status: criteria provided, single submitter. Criteria: ACMG Guidelines, 2015. Collection method: clinical testing. Allele origin: germline. Observed: 1 variant allele.

Labcorp Genetics (formerly Invitae), Labcorp
Classification: Uncertain significance for Infantile neuroaxonal dystrophy. Last evaluated: 2023-08-10. Review status: criteria provided, single submitter. Criteria: Invitae Variant Classification Sherloc (09022015). Collection method: clinical testing. Allele origin: germline.
Comment: ClinVar contains an entry for this variant (Variation ID: 2421061). In summary, the available evidence is currently insufficient to determine the role of this variant in disease. Therefore, it has been classified as a Variant of Uncertain Significance. Advanced modeling of protein sequence and biophysical properties (such as structural, functional, and spatial information, amino acid conservation, physicochemical variation, residue mobility, and thermodynamic stability) performed at Invitae indicates that this missense variant is not expected to disrupt PLA2G6 protein function. This variant has not been reported in the literature in individuals affected with PLA2G6-related conditions. This variant is present in population databases (no rsID available, gnomAD 0.003%). This sequence change replaces valine, which is neutral and non-polar, with methionine, which is neutral and non-polar, at codon 701 of the PLA2G6 protein (p.Val701Met).

NM_003560.4(PLA2G6):c.2101G>A (p.Val701Met)

Gene: PLA2G6 (phospholipase A2 group VI; minus strand). Cytogenetic location: 22q13.1.
Variant type: single nucleotide variant.
Coding change: c.2101G>A on transcript NM_003560.4 (MANE Select); coding-DNA position 2101, G replaced by A.
Protein change: p.Val701Met; replaces valine 701 with methionine.
Molecular consequence: missense variant.
Genome position (GRCh38, 1-based): chr22:38,113,588, C>T on the plus strand (G>A on the coding strand, the complement: PLA2G6 is on the minus strand). VCF-style: chr22-38113588-C-T. GRCh37 (hg19) VCF-style: chr22-38509595-C-T.
Other names: p.Val701Met; c.1939G>A, p.Val647Met (NM_001004426.3, NM_001199562.3, NM_001349865.2 and 1 more transcripts); c.2101G>A, p.Val701Met (NM_001349864.2); c.1567G>A, p.Val523Met (NM_001349867.2); c.1423G>A, p.Val475Met (NM_001349868.2); c.1405G>A, p.Val469Met (NM_001349869.2); short protein forms V469M, V475M, V523M, V647M, V701M.
Identifiers: ClinVar variation 2421061 (VCV002421061.7), dbSNP rs1425743942, ClinGen allele CA411523922.